The following is an entry in ClinVar:

ClinVar aggregate classification (germline): Pathogenic (1 of 4 stars; one submission).

Conditions:
Autism spectrum disorder - epilepsy - arthrogryposis syndrome (AMRS). Identifiers: Orphanet 370943, MedGen C3809910, MONDO:0014248, OMIM 615553.

Submission:

Labcorp Genetics (formerly Invitae), Labcorp
Classification: Pathogenic for Autism spectrum disorder - epilepsy - arthrogryposis syndrome. Last evaluated: 2021-01-05. Review status: criteria provided, single submitter. Criteria: Invitae Variant Classification Sherloc (09022015). Collection method: clinical testing. Allele origin: germline.
Comment: This variant is a gross deletion of the genomic region encompassing exon(s) 2 of the SLC35A3 gene, which includes the initiator codon. The 5' end of this event is unknown as it extends beyond the assayed region for this gene and therefore may encompass additional genes. The 3' boundary is likely confined to intron 2 of the SLC35A3 gene. It is expected to result in an absent or disrupted protein product. Loss-of-function variants in SLC35A3 are known to be pathogenic (PMID: 24031089, 28328131). This variant has not been reported in the literature in individuals with SLC35A3-related conditions. For these reasons, this variant has been classified as Pathogenic.

Literature cited by the submitters: PubMed 24031089; PubMed 28328131.

NC_000001.10:g.(?_100459083)_(100459307_?)del

Gene: SLC35A3 (solute carrier family 35 member A3; plus strand). Cytogenetic location: 1p21.2.
Variant type: Deletion.
Identifiers: ClinVar variation 1459700 (VCV001459700.4).